The following is an entry in ClinVar:

NC_012920.1(MT-CO3):m.9405T>C

Gene: MT-CO3 (mitochondrially encoded cytochrome c oxidase III; plus strand).
Variant type: single nucleotide variant.
Genome position: chrM-9405-T-C.
Identifiers: ClinVar variation 693161 (VCV000693161.1), dbSNP rs1603222294, ClinGen allele CA414802868.

ClinVar aggregate classification (germline): Uncertain significance (1 of 4 stars; one submission).

Conditions:
Leigh syndrome (NULS). Also called: Leigh's necrotizing encephalopathy; Leigh's disease; Leigh Syndrome (mtDNA deletion); Leigh Disease; Subacute necrotizing encephalopathy; Necrotizing encephalopathy infantile subacute of Leigh. Identifiers: Orphanet 506, MedGen C2931891, MONDO:0009723, OMIM 256000.

Submission:

Wong Mito Lab, Molecular and Human Genetics, Baylor College of Medicine
Classification: Uncertain significance for Leigh syndrome. Last evaluated: 2019-10-17. Review status: criteria provided, single submitter. Criteria: Modified ACMG Guidelines (Unpublished). Collection method: clinical testing. Allele origin: germline.
Comment: The NC_012920.1:m.9405T>C (YP_003024032.1:p.Tyr67His) variant in MTCO3 gene is interpretated to be a Uncertain Significance variant based on the modified ACMG guidelines (unpublished). This variant meets the following evidence codes: PP6, PP7